The following is an entry in ClinVar:

ClinVar aggregate classification (germline): Uncertain significance (1 of 4 stars; one submission).

gnomAD v4.1: 6 of 1,614,088 alleles (0.00037%); highest among the groups gnomAD compares: Non-Finnish European, 0.00051%; no homozygotes.

Submission:

Labcorp Genetics (formerly Invitae), Labcorp
Classification: Uncertain significance. Last evaluated: 2024-08-20. Review status: criteria provided, single submitter. Criteria: Invitae Variant Classification Sherloc (09022015). Collection method: clinical testing. Allele origin: germline.
Comment: This sequence change replaces leucine, which is neutral and non-polar, with proline, which is neutral and non-polar, at codon 2176 of the FBN3 protein (p.Leu2176Pro). This variant is present in population databases (no rsID available, gnomAD 0.002%). This variant has not been reported in the literature in individuals affected with FBN3-related conditions. Invitae Evidence Modeling of protein sequence and biophysical properties (such as structural, functional, and spatial information, amino acid conservation, physicochemical variation, residue mobility, and thermodynamic stability) indicates that this missense variant is expected to disrupt FBN3 protein function with a positive predictive value of 80%. In summary, the available evidence is currently insufficient to determine the role of this variant in disease. Therefore, it has been classified as a Variant of Uncertain Significance.

NM_032447.5(FBN3):c.6527T>C (p.Leu2176Pro)

Gene: FBN3 (fibrillin 3; minus strand). Cytogenetic location: 19p13.2.
Variant type: single nucleotide variant.
Coding change: c.6527T>C on transcript NM_032447.5 (MANE Select); coding-DNA position 6527, T replaced by C.
Protein change: p.Leu2176Pro; replaces leucine 2176 with proline.
Molecular consequence: missense variant.
Genome position (GRCh38, 1-based): chr19:8,087,917, A>G on the plus strand (T>C on the coding strand, the complement: FBN3 is on the minus strand). VCF-style: chr19-8087917-A-G. GRCh37 (hg19) VCF-style: chr19-8152801-A-G.
Other names: c.6527T>C, p.Leu2176Pro (NM_001321431.2); short protein forms L2176P.
Identifiers: ClinVar variation 3604114 (VCV003604114.2).